The following is an entry in ClinVar:

ClinVar aggregate classification (germline): Uncertain significance (1 of 4 stars; one submission).

gnomAD v4.1: 4 of 1,614,106 alleles (0.00025%); highest among the groups gnomAD compares: Non-Finnish European, 0.00025%; no homozygotes.

Submission:

GeneDx
Classification: Uncertain significance. Last evaluated: 2026-03-02. Review status: criteria provided, single submitter. Criteria: GeneDx Variant Classification Process June 2021. Collection method: clinical testing. Allele origin: germline.
Comment: Not observed at significant frequency in large population cohorts (gnomAD); In silico analysis supports that this missense variant has a deleterious effect on protein structure/function; Has not been previously published as pathogenic or benign to our knowledge

NM_006059.4(LAMC3):c.492C>A (p.Ser164Arg)

Gene: LAMC3 (laminin subunit gamma 3; plus strand). Cytogenetic location: 9q34.12.
Variant type: single nucleotide variant.
Coding change: c.492C>A on transcript NM_006059.4 (MANE Select); coding-DNA position 492, C replaced by A.
Protein change: p.Ser164Arg; replaces serine 164 with arginine.
Molecular consequence: missense variant.
Genome position (GRCh38, 1-based): chr9:131,026,403, C>A. VCF-style: chr9-131026403-C-A. GRCh37 (hg19) VCF-style: chr9-133901790-C-A.
Other names: short protein forms S164R.
Identifiers: ClinVar variation 5008294 (VCV005008294.1).
Genomic context (GRCh38, chr9:131,026,403, plus strand): 5'-CTTTGCCATCTACAAGCGCAGCCGCGCCGACGGCCCATGGGAGCCCTACCAGTTCTACAG[C>A]GCCTCCTGCCAGAAGACCTACGGCCGGCCCGAGGGCCAGTACCTGCGCCCCGGCGAGGAC-3'
Protein context (NP_006050.3, residues 154-174): DGPWEPYQFY[Ser164Arg]ASCQKTYGRP